The following is an entry in ClinVar:

NM_004963.4(GUCY2C):c.530C>A (p.Thr177Asn)

Genes: GUCY2C (guanylate cyclase 2C; minus strand), GUCY2C-AS1 (GUCY2C antisense RNA 1; plus strand). Cytogenetic location: 12p12.3.
Variant type: single nucleotide variant.
Coding change: c.530C>A on transcript NM_004963.4 (MANE Select); coding-DNA position 530, C replaced by A.
Protein change: p.Thr177Asn; replaces threonine 177 with asparagine.
Molecular consequence: missense variant.
Genome position (GRCh38, 1-based): chr12:14,683,123, G>T on the plus strand (C>A on the coding strand, the complement: GUCY2C is on the minus strand). VCF-style: chr12-14683123-G-T. GRCh37 (hg19) VCF-style: chr12-14836057-G-T.
Other names: short protein forms T177N.
Identifiers: ClinVar variation 3697265 (VCV003697265.2).

ClinVar aggregate classification (germline): Uncertain significance (1 of 4 stars; one submission).

gnomAD v4.1: 2 of 1,613,626 alleles (0.00012%); highest among the groups gnomAD compares: Admixed American, 0.0017%; no homozygotes.

Submission:

Labcorp Genetics (formerly Invitae), Labcorp
Classification: Uncertain significance. Last evaluated: 2024-04-26. Review status: criteria provided, single submitter. Criteria: Invitae Variant Classification Sherloc (09022015). Collection method: clinical testing. Allele origin: germline.
Comment: This sequence change replaces threonine, which is neutral and polar, with asparagine, which is neutral and polar, at codon 177 of the GUCY2C protein (p.Thr177Asn). The frequency data for this variant in the population databases is considered unreliable, as metrics indicate poor data quality at this position in the gnomAD database. This variant has not been reported in the literature in individuals affected with GUCY2C-related conditions. Advanced modeling of protein sequence and biophysical properties (such as structural, functional, and spatial information, amino acid conservation, physicochemical variation, residue mobility, and thermodynamic stability) performed at Invitae indicates that this missense variant is not expected to disrupt GUCY2C protein function with a negative predictive value of 80%. In summary, the available evidence is currently insufficient to determine the role of this variant in disease. Therefore, it has been classified as a Variant of Uncertain Significance.